The following is an entry in ClinVar:

ClinVar aggregate classification (germline): Uncertain significance (1 of 4 stars; one submission).

Conditions:
Inborn genetic diseases. Identifiers: MedGen C0950123, MeSH D030342.

Submission:

Ambry Genetics
Classification: Uncertain significance for Inborn genetic diseases. Last evaluated: 2025-05-18. Review status: criteria provided, single submitter. Criteria: Ambry Variant Classification Scheme 2023. Collection method: clinical testing. Allele origin: germline.
Comment: The p.K973R variant (also known as c.2918A>G), located in coding exon 1 of the SAMD9L gene, results from an A to G substitution at nucleotide position 2918. The lysine at codon 973 is replaced by arginine, an amino acid with highly similar properties. This amino acid position is conserved. In addition, this alteration is predicted to be tolerated by in silico analysis. Based on the available evidence, the clinical significance of this variant remains unclear.

NM_152703.5(SAMD9L):c.2918A>G (p.Lys973Arg)

Gene: SAMD9L (sterile alpha motif domain containing 9 like; minus strand). Cytogenetic location: 7q21.2.
Variant type: single nucleotide variant.
Coding change: c.2918A>G on transcript NM_152703.5 (MANE Select); coding-DNA position 2918, A replaced by G.
Protein change: p.Lys973Arg; replaces lysine 973 with arginine.
Molecular consequence: missense variant.
Genome position (GRCh38, 1-based): chr7:93,133,054, T>C on the plus strand (A>G on the coding strand, the complement: SAMD9L is on the minus strand). VCF-style: chr7-93133054-T-C. GRCh37 (hg19) VCF-style: chr7-92762367-T-C.
Other names: c.2918A>G, p.Lys973Arg (NM_001303496.3, NM_001303497.3, NM_001303498.3 and 5 more transcripts); short protein forms K973R.
Identifiers: ClinVar variation 3949931 (VCV003949931.1).